The following is an entry in ClinVar:

NM_030973.4(MED25):c.1643A>C (p.Gln548Pro)

Gene: MED25 (mediator complex subunit 25; plus strand). Cytogenetic location: 19q13.33.
Variant type: single nucleotide variant.
Coding change: c.1643A>C on transcript NM_030973.4 (MANE Select); coding-DNA position 1643, A replaced by C.
Protein change: p.Gln548Pro; replaces glutamine 548 with proline.
Molecular consequence: missense variant.
Genome position (GRCh38, 1-based): chr19:49,835,146, A>C. VCF-style: chr19-49835146-A-C. GRCh37 (hg19) VCF-style: chr19-50338403-A-C.
Other names: c.1643A>C, p.Gln548Pro (NM_001378355.1); short protein forms Q548P.
Identifiers: ClinVar variation 945378 (VCV000945378.9), dbSNP rs2074086161, ClinGen allele CA406918493.

ClinVar aggregate classification (germline): Uncertain significance (1 of 4 stars; one submission).

Conditions:
Charcot-Marie-Tooth disease type 2. Also called: Charcot-Marie-Tooth type 2. Identifiers: Orphanet 64746, MedGen C0270914, MONDO:0018993.

Submission:

Labcorp Genetics (formerly Invitae), Labcorp
Classification: Uncertain significance for Charcot-Marie-Tooth disease type 2. Last evaluated: 2023-07-17. Review status: criteria provided, single submitter. Criteria: Invitae Variant Classification Sherloc (09022015). Collection method: clinical testing. Allele origin: germline.
Comment: In summary, the available evidence is currently insufficient to determine the role of this variant in disease. Therefore, it has been classified as a Variant of Uncertain Significance. An algorithm developed to predict the effect of missense changes on protein structure and function (PolyPhen-2) suggests that this variant is likely to be disruptive. ClinVar contains an entry for this variant (Variation ID: 945378). This variant has not been reported in the literature in individuals affected with MED25-related conditions. This variant is not present in population databases (gnomAD no frequency). This sequence change replaces glutamine, which is neutral and polar, with proline, which is neutral and non-polar, at codon 548 of the MED25 protein (p.Gln548Pro).